The following is an entry in ClinVar:

NM_014028.4(OSTM1):c.51G>A (p.Trp17Ter)

Genes: OSTM1 (osteoclastogenesis associated transmembrane protein 1; minus strand), LOC129996933 (ATAC-STARR-seq lymphoblastoid silent region 17446; plus strand). Cytogenetic location: 6q21.
Variant type: single nucleotide variant.
Coding change: c.51G>A on transcript NM_014028.4 (MANE Select); coding-DNA position 51, G replaced by A.
Protein change: p.Trp17Ter; replaces tryptophan 17 with a stop codon.
Molecular consequence: nonsense.
Genome position (GRCh38, 1-based): chr6:108,074,601, C>T on the plus strand (G>A on the coding strand, the complement: OSTM1 is on the minus strand). VCF-style: chr6-108074601-C-T. GRCh37 (hg19) VCF-style: chr6-108395805-C-T.
Other names: short protein forms W17*.
Identifiers: ClinVar variation 3640499 (VCV003640499.2).

ClinVar aggregate classification (germline): Pathogenic (1 of 4 stars; one submission).

Submission:

Labcorp Genetics (formerly Invitae), Labcorp
Classification: Pathogenic. Last evaluated: 2024-02-13. Review status: criteria provided, single submitter. Criteria: Invitae Variant Classification Sherloc (09022015). Collection method: clinical testing. Allele origin: germline.
Comment: This sequence change creates a premature translational stop signal (p.Trp17*) in the OSTM1 gene. It is expected to result in an absent or disrupted protein product. Loss-of-function variants in OSTM1 are known to be pathogenic (PMID: 12627228, 15108279, 16813530). This variant is not present in population databases (gnomAD no frequency). This variant has not been reported in the literature in individuals affected with OSTM1-related conditions. For these reasons, this variant has been classified as Pathogenic.

Literature cited by the submitters: PubMed 12627228; PubMed 15108279; PubMed 16813530.